The following is an entry in ClinVar:

ClinVar aggregate classification (germline): Pathogenic. Review status: reviewed by expert panel (3 of 4 stars). 7 submissions from 7 submitters: Pathogenic (1). 6 of the submissions do not count toward it. Last evaluated 2026-01-23.

Conditions:
Autosomal recessive limb-girdle muscular dystrophy. Identifiers: Orphanet 102015, MedGen C2931907, MONDO:0015152.
Autosomal recessive limb-girdle muscular dystrophy type 2B (LGMDR2). Also called: Limb-girdle muscular dystrophy, type 2B; MUSCULAR DYSTROPHY, LIMB-GIRDLE, AUTOSOMAL RECESSIVE 2; Limb-Girdle Muscular Dystrophy Type 2B (LGMD2B); MUSCULAR DYSTROPHY, LIMB-GIRDLE, TYPE 3. Identifiers: Orphanet 268, MedGen C1850889, MONDO:0009676, OMIM 253601.
Distal myopathy with anterior tibial onset. Identifiers: Orphanet 178400, MedGen C1847532, MONDO:0011721, OMIM 606768.
Miyoshi muscular dystrophy 1 (MMD1). Identifiers: Orphanet 45448, MedGen C4551973, MONDO:0024545, OMIM 254130.
Neuromuscular disease caused by qualitative or quantitative defects of dysferlin. Also called: Dysferlinopathy; Qualitative or quantitative defects of dysferlin. Identifiers: Orphanet 207073, MedGen C2931687, MONDO:0016145.

Allele frequency attached by ClinVar (database versions not stated): ExAC 0.00001; gnomAD exomes 0.00001 and below 0.00001.
gnomAD v4.1: 3 of 1,614,162 alleles (0.00019%); highest among the groups gnomAD compares: East Asian, 0.0067%; no homozygotes.

Submissions (7):

ClinGen Limb Girdle Muscular Dystrophy Variant Curation Expert Panel, ClinGen
Classification: Pathogenic for Autosomal recessive limb-girdle muscular dystrophy. Last evaluated: 2026-01-23. Review status: reviewed by expert panel. Criteria: ClinGen LGMD VCEP ACMG Specifications DYSF V2.0.0. Collection method: curation. Allele origin: germline. Inheritance: Autosomal recessive inheritance.
Comment: The NM_003494.4: c.2974T>C variant in DYSF, which is also known as NM_001130987.2: c.3028T>C p.(Trp1010Arg), is a missense variant predicted to cause substitution of tryptophan by arginine at amino acid 992, p.(Trp992Arg). This variant has been reported in at least 11 individuals with features consistent with LGMD or dysferlinopathy (PMID: 16891820, 23243261, 32400077, 27602406), including in a homozygous state in two individuals with no reported consanguinity (0.5 pts each, PMID: 23243261, 32400077) and in unknown phase with pathogenic variants in three individuals (two with c.3373del p.(Glu1125LysfsTer9), 0.5 pts each, and one with c.5668-7G>A, 0.5 pts, PMID: 32400077) (PM3_Strong). At least one patient with this variant and a second presumed diagnostic DYSF variant had both a clinical suspicion of LGMD and absent dysferlin expression in skeletal muscle, which is highly specific for DYSF-associated LGMD (PMID: 27602406; PP4_Strong). The filtering allele frequency for this variant in gnomAD v4.1.0 is 0.0001728 (upper threshold of the 95% CI of 3/44876 East Asian chromosomes), which is greater than the threshold of 0.0001 for PM2_Supporting (PM2_Supporting not met). The computational predictor REVEL gives a score of 0.95, which is above the LGMD VCEP threshold of ≥0.70 for PP3 (PP3). In addition, immunofluorescence and 2-A assays of dysferlin membrane localization in HEK293T cells showed the Trp992Arg protein did not reach the cell membrane, indicating an impact on protein function (PMID: 35028538; PS3_Moderate). In summary, this variant meets the criteria to be classified as Pathogenic for autosomal recessive limb girdle muscular dystrophy based on the ACMG/AMP criteria applied, as specified by the ClinGen LGMD VCEP (LGMD VCEP specifications version 2.0.0; 01/23/2026): PM3_Strong, PP4_Strong, PS3_Moderate, PP3.

Natera, Inc.
Classification: Pathogenic for Limb-girdle muscular dystrophy type 2B. Last evaluated: 2024-07-18. Review status: criteria provided, single submitter. Criteria: Natera Variant Classification Schema (03/2026). Collection method: clinical testing. Allele origin: germline. Not counted in ClinVar's aggregate classification.
Comment: The c.2974T>C variant in DYSF is a missense variant predicted to cause substitution of tryptophan to arginine at amino acid 992. This variant is rare in the general population with a frequency below the threshold expected for the associated phenotype(s). This variant has been observed in one or more individuals affected with the associated recessive disease, as either homozygous or compound heterozygous with a second variant (PMID: 23243261, 27066573, 27647186, 26060040, 31439488). Computational prediction algorithms indicate this variant is likely to affect gene or protein function. Given the available evidence, this variant is classified as Pathogenic.

Women's Health and Genetics/Laboratory Corporation of America, LabCorp
Classification: Pathogenic for Autosomal recessive limb-girdle muscular dystrophy. Last evaluated: 2024-05-14. Review status: criteria provided, single submitter. Criteria: LabCorp Variant Classification Summary - May 2015. Collection method: clinical testing. Allele origin: germline. Not counted in ClinVar's aggregate classification.
Comment: Variant summary: DYSF c.2974T>C (p.Trp992Arg) results in a non-conservative amino acid change located in the Peroxin/Ferlin domain (Peroxin/Ferlin domain) of the encoded protein sequence. Five of five in-silico tools predict a damaging effect of the variant on protein function. The variant allele was found at a frequency of 4e-06 in 251480 control chromosomes. c.2974T>C has been reported in the literature either as homozygous or in the compound heterozygous state with a pathogenic variant in multiple individuals affected with autosomal recessive Limb-Girdle Muscular Dystrophy (e.g. Cho_2006, Takahashi_2013, Izumi_2015, Fernandez-Eulate_2021). These data indicate that the variant is very likely to be associated with disease. To our knowledge, no experimental evidence demonstrating an impact on protein function has been reported. The following publications have been ascertained in the context of this evaluation (PMID: 16891820, 33715265, 27066573, 23243261). ClinVar contains an entry for this variant (Variation ID: 551236). Based on the evidence outlined above, the variant was classified as pathogenic.

Labcorp Genetics (formerly Invitae), Labcorp
Classification: Pathogenic for Neuromuscular disease caused by qualitative or quantitative defects of dysferlin. Last evaluated: 2024-01-30. Review status: criteria provided, single submitter. Criteria: Invitae Variant Classification Sherloc (09022015). Collection method: clinical testing. Allele origin: germline. Not counted in ClinVar's aggregate classification.
Comment: This sequence change replaces tryptophan, which is neutral and slightly polar, with arginine, which is basic and polar, at codon 992 of the DYSF protein (p.Trp992Arg). This variant is present in population databases (rs750028300, gnomAD 0.006%). This missense change has been observed in individual(s) with DYSF-related conditions (PMID: 16891820, 32400077). ClinVar contains an entry for this variant (Variation ID: 551236). Advanced modeling of protein sequence and biophysical properties (such as structural, functional, and spatial information, amino acid conservation, physicochemical variation, residue mobility, and thermodynamic stability) performed at Invitae indicates that this missense variant is expected to disrupt DYSF protein function with a positive predictive value of 95%. For these reasons, this variant has been classified as Pathogenic.

Baylor Genetics
Classification: Pathogenic for Miyoshi muscular dystrophy 1. Last evaluated: 2023-06-03. Review status: criteria provided, single submitter. Criteria: ACMG Guidelines, 2015. Collection method: clinical testing. Allele origin: unknown. Not counted in ClinVar's aggregate classification.

Fulgent Genetics
Classification: Likely pathogenic for Autosomal recessive limb-girdle muscular dystrophy type 2B; Miyoshi muscular dystrophy 1; Distal myopathy with anterior tibial onset. Last evaluated: 2018-10-31. Review status: criteria provided, single submitter. Criteria: ACMG Guidelines, 2015. Collection method: clinical testing. Allele origin: unknown. Not counted in ClinVar's aggregate classification.

Counsyl
Classification: Pathogenic for Autosomal recessive limb-girdle muscular dystrophy type 2B. Last evaluated: 2017-03-31. Review status: no assertion criteria provided. Collection method: clinical testing. Allele origin: unknown. Not counted in ClinVar's aggregate classification.

Literature cited by the submitters: PubMed 23243261 (cited by 3 submitters); PubMed 27066573 (cited by 3 submitters); PubMed 27647186 (cited by Natera, Inc.); PubMed 26060040 (cited by Natera, Inc. and Counsyl); PubMed 31439488 (cited by Natera, Inc.); PubMed 33715265 (cited by Women's Health and Genetics/Laboratory Corporation of America, LabCorp); PubMed 16891820 (cited by 3 submitters); PubMed 32400077 (cited by Labcorp Genetics (formerly Invitae), Labcorp); PubMed 25868377 (cited by Counsyl); PubMed 2764718 (cited by Counsyl); PubMed 27602406 (cited by Counsyl).

NM_001130987.2(DYSF):c.3028T>C (p.Trp1010Arg)

Gene: DYSF (dysferlin; plus strand). Cytogenetic location: 2p13.2.
Variant type: single nucleotide variant.
Coding change: c.3028T>C on transcript NM_001130987.2 (MANE Select); coding-DNA position 3028, T replaced by C.
Protein change: p.Trp1010Arg; replaces tryptophan 1010 with arginine.
Molecular consequence: missense variant.
Genome position (GRCh38, 1-based): chr2:71,570,277, T>C. VCF-style: chr2-71570277-T-C. GRCh37 (hg19) VCF-style: chr2-71797407-T-C.
Other names: NM_001130987.2(DYSF):c.3028T>C; p.Trp1010Arg; c.2977T>C, p.Trp993Arg (NM_001130455.2, NM_001130983.2); c.2932T>C, p.Trp978Arg (NM_001130976.2, NM_001130977.2); c.2974T>C, p.Trp992Arg (NM_001130978.2, NM_003494.4); c.3067T>C, p.Trp1023Arg (NM_001130979.2); c.3025T>C, p.Trp1009Arg (NM_001130980.2, NM_001130981.2); c.3070T>C, p.Trp1024Arg (NM_001130982.2); and 2 more; short protein forms W1010R, W992R, W993R, W978R, W979R, W1009R, W1023R, W1024R.
Identifiers: ClinVar variation 551236 (VCV000551236.9), dbSNP rs750028300, ClinGen allele CA1706376.